The following is an entry in ClinVar:

ClinVar aggregate classification (germline): Uncertain significance (1 of 4 stars; one submission).

Submission:

Labcorp Genetics (formerly Invitae), Labcorp
Classification: Uncertain significance. Last evaluated: 2025-01-27. Review status: criteria provided, single submitter. Criteria: Invitae Variant Classification Sherloc (09022015). Collection method: clinical testing. Allele origin: germline.
Comment: This sequence change replaces glycine, which is neutral and non-polar, with glutamic acid, which is acidic and polar, at codon 146 of the CYP24A1 protein (p.Gly146Glu). This variant is not present in population databases (gnomAD no frequency). This variant has not been reported in the literature in individuals affected with CYP24A1-related conditions. ClinVar contains an entry for this variant (Variation ID: 2729394). Invitae Evidence Modeling of protein sequence and biophysical properties (such as structural, functional, and spatial information, amino acid conservation, physicochemical variation, residue mobility, and thermodynamic stability) indicates that this missense variant is expected to disrupt CYP24A1 protein function with a positive predictive value of 95%. In summary, the available evidence is currently insufficient to determine the role of this variant in disease. Therefore, it has been classified as a Variant of Uncertain Significance.

NM_000782.5(CYP24A1):c.437G>A (p.Gly146Glu)

Gene: CYP24A1 (cytochrome P450 family 24 subfamily A member 1; minus strand). Cytogenetic location: 20q13.2.
Variant type: single nucleotide variant.
Coding change: c.437G>A on transcript NM_000782.5 (MANE Select); coding-DNA position 437, G replaced by A.
Protein change: p.Gly146Glu; replaces glycine 146 with glutamic acid.
Molecular consequence: missense variant.
Genome position (GRCh38, 1-based): chr20:54,172,921, C>T on the plus strand (G>A on the coding strand, the complement: CYP24A1 is on the minus strand). VCF-style: chr20-54172921-C-T. GRCh37 (hg19) VCF-style: chr20-52789460-C-T.
Other names: c.437G>A, p.Gly146Glu (NM_001128915.2, NM_001424340.1, NM_001424341.1 and 2 more transcripts); short protein forms G146E.
Identifiers: ClinVar variation 2729394 (VCV002729394.3), dbSNP rs2092698841, ClinGen allele CA409392846.